The following is an entry in ClinVar:

NM_000384.3(APOB):c.6042G>A (p.Leu2014=)

Gene: APOB (apolipoprotein B; minus strand). Cytogenetic location: 2p24.1.
Variant type: single nucleotide variant.
Coding change: c.6042G>A on transcript NM_000384.3 (MANE Select); coding-DNA position 6042, G replaced by A.
Protein change: p.Leu2014=; no amino-acid change (leucine 2014 retained).
Molecular consequence: synonymous variant.
Genome position (GRCh38, 1-based): chr2:21,010,826, C>T on the plus strand (G>A on the coding strand, the complement: APOB is on the minus strand). VCF-style: chr2-21010826-C-T. GRCh37 (hg19) VCF-style: chr2-21233698-C-T.
Identifiers: ClinVar variation 3393010 (VCV003393010.1).
Genomic context (GRCh38, chr2:21,010,826, plus strand): 5'-GATGGGCTCACTGAGTAAAAGTGGCACTTTAATTGGGGAGTCTAGTAGAGTTAGGTCAGC[C>T]AGAGTTCGTCCAGTAAGCTCCACGCCAATTTTATCTTTAGTGTTGTAAGCATCCAAGTCC-3'
Protein context (NP_000375.3, residues 2004-2024): KIGVELTGRT[Leu2014=]ADLTLLDSPI

ClinVar aggregate classification (germline): Likely benign (1 of 4 stars; one submission).

Conditions:
Familial hypercholesterolemia. Also called: Familial hypercholesterolaemia. Identifiers: MedGen C0020445, MONDO:0005439.

Submission:

GENinCode PLC
Classification: Likely benign for Familial hypercholesterolemia. Last evaluated: 2023-05-07. Review status: criteria provided, single submitter. Criteria: ACMG Guidelines, 2015. Collection method: clinical testing. Allele origin: germline.
Comment: This is a synonymous (silent) variant that is not predicted by SpliceAI to impact splicing. In addition, it occurs at a nucleotide that is not conserved. Therefore this variant has been classified as Likely Benign (BP4, BP7).